The following is an entry in ClinVar:

ClinVar aggregate classification (germline): Pathogenic/Likely pathogenic. Review status: criteria provided, multiple submitters, no conflicts (2 of 4 stars). 5 submissions from 4 submitters: Pathogenic (2); Likely pathogenic (1). 2 of the submissions do not count toward it. Last evaluated 2025-02-16.

Conditions:
Cerebellar atrophy, visual impairment, and psychomotor retardation;. Also called: Cerebellar atrophy, visual impairment, and psychomotor retardation. Identifiers: MedGen C4225172, MONDO:0014811, OMIM 616875.
Congenital anomaly of kidney and urinary tract. Also called: Congenital anomalies of the kidney and urinary tract; Congenital anomalies of kidney and urinary tract. Identifiers: Orphanet 93545, MedGen C1968949, MeSH C566906, MONDO:0019719.

Submissions (5):

Laboratory of Genetics, Children's Clinical University Hospital Latvia
Classification: Pathogenic. Last evaluated: 2025-02-16. Review status: criteria provided, single submitter. Criteria: ACMG Guidelines, 2015. Collection method: clinical testing. Allele origin: germline. Affected: yes.

Labcorp Genetics (formerly Invitae), Labcorp
Classification: Pathogenic. Last evaluated: 2021-12-29. Review status: criteria provided, single submitter. Criteria: Invitae Variant Classification Sherloc (09022015). Collection method: clinical testing. Allele origin: germline.
Comment: For these reasons, this variant has been classified as Pathogenic. ClinVar contains an entry for this variant (Variation ID: 219099). This premature translational stop signal has been observed in individual(s) with EMC1-related conditions (PMID: 26942288). This variant is not present in population databases (gnomAD no frequency). This sequence change creates a premature translational stop signal (p.Pro874Argfs*21) in the EMC1 gene. It is expected to result in an absent or disrupted protein product. Loss-of-function variants in EMC1 are known to be pathogenic (PMID: 26572623, 26942288, 29271071).

Lupski Lab, Baylor-Hopkins CMG, Baylor College of Medicine
Classification: Likely pathogenic for Congenital anomaly of kidney and urinary tract. Review status: criteria provided, single submitter. Criteria: Bekheirnia et al. (Genet Med. 2016). Collection method: research. Allele origin: germline. Inheritance: Autosomal recessive inheritance. Affected: yes. Observed: 1 homozygote.

OMIM
Classification: Pathogenic for CEREBELLAR ATROPHY, VISUAL IMPAIRMENT, AND PSYCHOMOTOR RETARDATION. Last evaluated: 2016-03-29. Review status: no assertion criteria provided. Collection method: literature only. Allele origin: germline. Not counted in ClinVar's aggregate classification.

Lupski Lab, Baylor-Hopkins CMG, Baylor College of Medicine
Classification: Likely pathogenic. Review status: flagged submission. Criteria: Harel et al. (Am J Hum Genet. 2016). Collection method: research. Allele origin: germline. Inheritance: Autosomal recessive inheritance. Affected: yes. Observed: 1 homozygote. Not counted in ClinVar's aggregate classification.
ClinVar note: Reason: This record appears to be redundant with a more recent record from the same submitter.
ClinVar note: Notes: SCV000258465 appears to be redundant with SCV000265638.

Literature cited by the submitters: PubMed 26942288 (cited by Labcorp Genetics (formerly Invitae), Labcorp and OMIM); PubMed 26572623 (cited by Labcorp Genetics (formerly Invitae), Labcorp); PubMed 29271071 (cited by Labcorp Genetics (formerly Invitae), Labcorp).

NM_015047.3(EMC1):c.2619_2622del (p.Pro874fs)

Genes: EMC1 (ER membrane protein complex subunit 1; minus strand), EMC1-AS1 (EMC1 antisense RNA 1; plus strand). Cytogenetic location: 1p36.13.
Variant type: Deletion.
Coding change: c.2619_2622del on transcript NM_015047.3 (MANE Select); coding-DNA positions 2619 to 2622, 4 bases deleted (TCCT; older notation c.2619_2622delTCCT).
Protein change: p.Pro874fs; shifts the reading frame from proline 874.
Molecular consequence: frameshift variant.
Genome position (GRCh38, 1-based): chr1:19,220,814-19,220,817, AGGA deleted on the plus strand (TCCT on the coding strand, the reverse complement: EMC1 is on the minus strand); deleting any 4 consecutive bases within chr1:19,220,814-19,220,820 gives the same sequence; the c. name uses the placement nearest the transcript's 3' end. VCF-style (leftmost placement, unchanged base first): chr1-19220813-TAGGA-T. GRCh37 (hg19) VCF-style: chr1-19547307-TAGGA-T.
Other names: c.2616_2619del, p.Pro873fs (NM_001271427.2, NM_001271428.2); c.2553_2556del, p.Pro852fs (NM_001271429.2); short protein forms P874fs, P852fs, P873fs.
Identifiers: ClinVar variation 219099 (VCV000219099.7), dbSNP rs869320624, ClinGen allele CA358739.